The following is an entry in ClinVar:

ClinVar aggregate classification (germline): Likely benign. Review status: criteria provided, single submitter (1 of 4 stars). 2 submissions from 2 submitters: Likely benign (1). 1 of the submissions does not count toward it. Last evaluated 2024-10-21.

Conditions:
RFWD3-related disorder. Also called: RFWD3-related condition.

Allele frequency attached by ClinVar (database versions not stated): ExAC 0.00002; gnomAD 0.00002; TOPMed 0.00002; gnomAD exomes 0.00003; ESP Exome Variant Server 0.00008.
gnomAD v4.1: 46 of 1,613,800 alleles (0.0029%); highest among the groups gnomAD compares: Middle Eastern, 0.033%; no homozygotes.

Submissions (2):

Labcorp Genetics (formerly Invitae), Labcorp
Classification: Likely benign. Last evaluated: 2024-10-21. Review status: criteria provided, single submitter. Criteria: Invitae Variant Classification Sherloc (09022015). Collection method: clinical testing. Allele origin: germline.

PreventionGenetics, part of Exact Sciences
Classification: Likely benign for RFWD3-related condition. Last evaluated: 2024-05-16. Review status: no assertion criteria provided. Collection method: clinical testing. Allele origin: germline. Not counted in ClinVar's aggregate classification.
Comment: This variant is classified as likely benign based on ACMG/AMP sequence variant interpretation guidelines (Richards et al. 2015 PMID: 25741868, with internal and published modifications).

NM_018124.4(RFWD3):c.123T>C (p.Ala41=)

Gene: RFWD3 (ring finger and WD repeat domain 3; minus strand). Cytogenetic location: 16q23.1.
Variant type: single nucleotide variant.
Coding change: c.123T>C on transcript NM_018124.4 (MANE Select); coding-DNA position 123, T replaced by C.
Protein change: p.Ala41=; no amino-acid change (alanine 41 retained).
Molecular consequence: synonymous variant. On other transcripts: 5 prime UTR variant (4), intron variant (1).
Genome position (GRCh38, 1-based): chr16:74,661,327, A>G on the plus strand (T>C on the coding strand, the complement: RFWD3 is on the minus strand). VCF-style: chr16-74661327-A-G. GRCh37 (hg19) VCF-style: chr16-74695225-A-G.
Other names: c.123T>C, p.Ala41= (NM_001370534.1, NM_001370535.1, NM_001370536.1); c.-886T>C (NM_001370537.1); c.-509T>C (NM_001370539.1, NM_001370541.1); c.-763T>C (NM_001370542.1); c.-641T>C (NM_001370543.1); c.-317+3297T>C (NM_001370540.1); c.123T>C (NM_018124.3).
Identifiers: ClinVar variation 3011233 (VCV003011233.4), dbSNP rs370695654, ClinGen allele CA8169643.